The following is an entry in ClinVar:

ClinVar aggregate classification (germline): Uncertain significance. Review status: criteria provided, multiple submitters, no conflicts (2 of 4 stars). 2 submissions from 2 submitters: Uncertain significance (2). Last evaluated 2025-06-04.

Allele frequency attached by ClinVar (database versions not stated): TOPMed below 0.00001; gnomAD 0.00001.
gnomAD v4.1: 16 of 1,613,020 alleles (0.00099%); highest among the groups gnomAD compares: South Asian, 0.0022%; no homozygotes.

Submissions (2):

Labcorp Genetics (formerly Invitae), Labcorp
Classification: Uncertain significance. Last evaluated: 2025-06-04. Review status: criteria provided, single submitter. Criteria: Invitae Variant Classification Sherloc (09022015). Collection method: clinical testing. Allele origin: germline.
Comment: This sequence change replaces arginine, which is basic and polar, with cysteine, which is neutral and slightly polar, at codon 1194 of the LRP5 protein (p.Arg1194Cys). The frequency data for this variant in the population databases is considered unreliable, as metrics indicate poor data quality at this position in the gnomAD database. This variant has not been reported in the literature in individuals affected with LRP5-related conditions. ClinVar contains an entry for this variant (Variation ID: 1906849). Invitae Evidence Modeling of protein sequence and biophysical properties (such as structural, functional, and spatial information, amino acid conservation, physicochemical variation, residue mobility, and thermodynamic stability) indicates that this missense variant is not expected to disrupt LRP5 protein function with a negative predictive value of 95%. In summary, the available evidence is currently insufficient to determine the role of this variant in disease. Therefore, it has been classified as a Variant of Uncertain Significance.

Blueprint Genetics
Classification: Uncertain significance. Last evaluated: 2024-01-11. Review status: criteria provided, single submitter. Criteria: ACMG Guidelines, 2015. Collection method: clinical testing. Allele origin: germline.

NM_002335.4(LRP5):c.3580C>T (p.Arg1194Cys)

Gene: LRP5 (LDL receptor related protein 5; plus strand). Cytogenetic location: 11q13.2.
Variant type: single nucleotide variant.
Coding change: c.3580C>T on transcript NM_002335.4 (MANE Select); coding-DNA position 3580, C replaced by T.
Protein change: p.Arg1194Cys; replaces arginine 1194 with cysteine.
Molecular consequence: missense variant.
Genome position (GRCh38, 1-based): chr11:68,426,130, C>T. VCF-style: chr11-68426130-C-T. GRCh37 (hg19) VCF-style: chr11-68193598-C-T.
Other names: c.1837C>T, p.Arg613Cys (NM_001291902.2); short protein forms R1194C, R613C.
Identifiers: ClinVar variation 1906849 (VCV001906849.6), dbSNP rs1325671368, ClinGen allele CA381621982.